The following is an entry in ClinVar:

NM_024426.6(WT1):c.1448-1G>A

Gene: WT1 (WT1 transcription factor; minus strand). Cytogenetic location: 11p13.
Variant type: single nucleotide variant.
Coding change: c.1448-1G>A on transcript NM_024426.6 (MANE Select); the canonical splice acceptor site of the intron before coding-DNA position 1448, G replaced by A.
Molecular consequence: splice acceptor variant.
Genome position (GRCh38, 1-based): chr11:32,389,180, C>T on the plus strand (G>A on the coding strand, the complement: WT1 is on the minus strand). VCF-style: chr11-32389180-C-T. GRCh37 (hg19) VCF-style: chr11-32410726-C-T.
Other names: c.1274-1G>A (NM_001407050.1); c.1316-1G>A (NM_001407047.1); c.1307-1G>A (NM_001407048.1); c.1304-1G>A (NM_001407049.1); c.1388-1G>A (NM_000378.6); c.1397-1G>A (NM_001407045.1); c.1433-1G>A (NM_001407044.1); c.1355-1G>A (NM_001407046.1); and 9 more.
Identifiers: ClinVar variation 3602084 (VCV003602084.4).

ClinVar aggregate classification (germline): Pathogenic/Likely pathogenic. Review status: criteria provided, multiple submitters, no conflicts (2 of 4 stars). 3 submissions from 3 submitters: Pathogenic (1); Likely pathogenic (2). Last evaluated 2026-03-12.

Conditions:
Frasier syndrome. Identifiers: Orphanet 347, MedGen C0950122, MeSH D052159, MONDO:0007635, OMIM 136680.
Wilms tumor 1 (WT1). Also called: Wilms tumor, somatic. Identifiers: Orphanet 654, MedGen CN033288, MONDO:0008679, OMIM 194070.
Drash syndrome (DDS). Also called: WILMS TUMOR AND PSEUDO- OR TRUE HERMAPHRODITISM; NEPHROPATHY, WILMS TUMOR, AND GENITAL ANOMALIES. Identifiers: Orphanet 220, MedGen C0950121, MONDO:0008682, OMIM 194080.
11p partial monosomy syndrome (WAGR). Also called: WAGR syndrome; WAGR Complex; CHROMOSOME 11p13 DELETION SYNDROME; WAGR Spectrum Disorder. Identifiers: Orphanet 893, MedGen C0206115, MONDO:0008681, OMIM 194072.

Submissions (3):

GeneDx
Classification: Pathogenic. Last evaluated: 2026-03-12. Review status: criteria provided, single submitter. Criteria: GeneDx Variant Classification Process June 2021. Collection method: clinical testing. Allele origin: germline.
Comment: Canonical splice site variant predicted to result in a null allele in a gene for which loss of function is a known mechanism of disease; Not observed at significant frequency in large population cohorts (gnomAD); This variant is associated with the following publications: (PMID: 17061122, 32493750)

Labcorp Genetics (formerly Invitae), Labcorp
Classification: Likely pathogenic for Wilms tumor 1; Drash syndrome; 11p partial monosomy syndrome; Frasier syndrome. Last evaluated: 2025-02-11. Review status: criteria provided, single submitter. Criteria: Invitae Variant Classification Sherloc (09022015). Collection method: clinical testing. Allele origin: germline.
Comment: This sequence change affects an acceptor splice site in intron 9 of the WT1 gene. While this variant is not anticipated to result in nonsense mediated decay, it likely alters RNA splicing and results in a disrupted protein product. This variant is not present in population databases (gnomAD no frequency). Disruption of this splice site has been observed in individual(s) with WT1-related conditions (PMID: 17061122, 32493750). In at least one individual the variant was observed to be de novo. Variants that disrupt the consensus splice site are a relatively common cause of aberrant splicing (PMID: 17576681, 9536098). Algorithms developed to predict the effect of sequence changes on RNA splicing suggest that this variant may disrupt the consensus splice site. In summary, the currently available evidence indicates that the variant is pathogenic, but additional data are needed to prove that conclusively. Therefore, this variant has been classified as Likely Pathogenic.

Center for Precision Genome Editing and Genetic Technologies for Biomedicine, Pirogov Russian National Research Medical University
Classification: Likely pathogenic for Frasier syndrome. Last evaluated: 2023-07-19. Review status: criteria provided, single submitter. Criteria: ACMG Guidelines, 2015. Collection method: clinical testing. Allele origin: germline. Inheritance: Autosomal dominant inheritance. Affected: yes. Observed: 1 heterozygote.
Comment: The variant affects the canonical splice site, which is a known mechanism of disease, PVS1. This variant has not been detected in control samples nor in patients with kidney disease, PM2.

Literature cited by the submitters: PubMed 17061122 (cited by Labcorp Genetics (formerly Invitae), Labcorp); PubMed 32493750 (cited by Labcorp Genetics (formerly Invitae), Labcorp); PubMed 17576681 (cited by Labcorp Genetics (formerly Invitae), Labcorp); PubMed 9536098 (cited by Labcorp Genetics (formerly Invitae), Labcorp).